The following is an entry in ClinVar:

ClinVar aggregate classification (germline): Uncertain significance. Review status: criteria provided, multiple submitters, no conflicts (2 of 4 stars). 2 submissions from 2 submitters: Uncertain significance (2). Last evaluated 2024-03-20.

Conditions:
Charcot-Marie-Tooth disease type 2. Also called: Charcot-Marie-Tooth type 2. Identifiers: Orphanet 64746, MedGen C0270914, MONDO:0018993.

Allele frequency attached by ClinVar (database versions not stated): gnomAD exomes below 0.00001.
gnomAD v4.1: 1 of 1,614,130 alleles (0.000062%); no homozygotes.

Submissions (2):

Labcorp Genetics (formerly Invitae), Labcorp
Classification: Uncertain significance for Charcot-Marie-Tooth disease type 2. Last evaluated: 2024-03-20. Review status: criteria provided, single submitter. Criteria: Invitae Variant Classification Sherloc (09022015). Collection method: clinical testing. Allele origin: germline.
Comment: This sequence change replaces glycine, which is neutral and non-polar, with serine, which is neutral and polar, at codon 830 of the KIF1B protein (p.Gly830Ser). This variant is not present in population databases (gnomAD no frequency). This variant has not been reported in the literature in individuals affected with KIF1B-related conditions. ClinVar contains an entry for this variant (Variation ID: 2447873). An algorithm developed to predict the effect of missense changes on protein structure and function (PolyPhen-2) suggests that this variant is likely to be disruptive. In summary, the available evidence is currently insufficient to determine the role of this variant in disease. Therefore, it has been classified as a Variant of Uncertain Significance.

Ambry Genetics
Classification: Uncertain significance. Last evaluated: 2023-02-03. Review status: criteria provided, single submitter. Criteria: Ambry Variant Classification Scheme 2023. Collection method: clinical testing. Allele origin: germline.
Comment: The p.G830S variant (also known as c.2488G>A), located in coding exon 23 of the KIF1B gene, results from a G to A substitution at nucleotide position 2488. The glycine at codon 830 is replaced by serine, an amino acid with similar properties. This amino acid position is conserved. In addition, the in silico prediction for this alteration is inconclusive. Since supporting evidence is limited at this time, the clinical significance of this alteration remains unclear.

NM_001365951.3(KIF1B):c.2626G>A (p.Gly876Ser)

Gene: KIF1B (kinesin family member 1B; plus strand). Cytogenetic location: 1p36.22.
Variant type: single nucleotide variant.
Coding change: c.2626G>A on transcript NM_001365951.3 (MANE Select); coding-DNA position 2626, G replaced by A.
Protein change: p.Gly876Ser; replaces glycine 876 with serine.
Molecular consequence: missense variant.
Genome position (GRCh38, 1-based): chr1:10,324,846, G>A. VCF-style: chr1-10324846-G-A. GRCh37 (hg19) VCF-style: chr1-10384904-G-A.
Other names: c.2626G>A, p.Gly876Ser (NM_001365952.1); c.2488G>A, p.Gly830Ser (NM_015074.3); short protein forms G876S, G830S.
Identifiers: ClinVar variation 2447873 (VCV002447873.5), dbSNP rs2521630467, ClinGen allele CA338335726.